The following is an entry in ClinVar:

ClinVar aggregate classification (germline): Uncertain significance. Review status: reviewed by expert panel (3 of 4 stars). 4 submissions from 4 submitters: Uncertain significance (1). 3 of the submissions do not count toward it. Last evaluated 2021-04-02.

Conditions:
Pyruvate dehydrogenase E1-alpha deficiency (PDHAD). Also called: ATAXIA, INTERMITTENT, WITH PYRUVATE DEHYDROGENASE DEFICIENCY; ATAXIA WITH LACTIC ACIDOSIS I; ATAXIA, INTERMITTENT, WITH ABNORMAL PYRUVATE METABOLISM; Ataxia, intermittent, with pyruvate dehydrogenase, or decarboxylase, deficiency. Identifiers: Orphanet 79243, MedGen C1839413, MONDO:0010717, OMIM 312170.
Pyruvate dehydrogenase complex deficiency (PDHC). Also called: PYRUVATE DECARBOXYLASE DEFICIENCY; Ataxia with lactic acidosis 1; PDH DEFICIENCY; Pyruvate Dehydrogenase Complex Deficiency Disease; Pyruvate dehydrogenase deficiency. Identifiers: Orphanet 765, Orphanet 79243, MedGen C0034345, MONDO:0019169.

Allele frequency attached by ClinVar (database versions not stated): gnomAD exomes below 0.00001.
gnomAD v4.1: 1 of 1,208,840 alleles (0.000083%); highest among the groups gnomAD compares: Non-Finnish European, 0.00011%; no homozygotes.

Submissions (4):

ClinGen Mitochondrial Disease Nuclear and Mitochondrial  Variant Curation Expert Panel, ClinGen
Classification: Uncertain significance for Pyruvate dehydrogenase complex deficiency. Last evaluated: 2021-04-02. Review status: reviewed by expert panel. Criteria: ClinGen Mito Disease ACMG Specifications v1. Collection method: curation. Allele origin: germline. Inheritance: X-linked inheritance.
Comment: The c.839T>G (p.I280S) variant in the PDHA1 gene is a missense variant that has not been reported in population databases (PM2). One patient with an episodic gait disorder, speech delay, cognitive delay, elevated serum and CSF lactate and brain MRI findings consistent with Leigh syndrome has been reported in the literature with this variant (PMID: 20691944). In silico meta-predictors indicate a deleterious effect (PP3). In summary, this variant meets criteria to be classified as a variant of uncertain significance for PDHA1- related pyruvate dehydrogenase deficiency in an X-linked manner. PDHA1-specific ACMG/AMP criteria applied: (PM2, PP3). This was reviewed with the PDHA1 expert panel on 2/16/2021 and approved on 2/16/2021.

GeneDx
Classification: Uncertain significance. Last evaluated: 2025-03-12. Review status: criteria provided, single submitter. Criteria: GeneDx Variant Classification Process June 2021. Collection method: clinical testing. Allele origin: germline. Affected: yes. Not counted in ClinVar's aggregate classification.
Comment: Observed as hemizygous in an individual with lactic acidosis and paroxysmal nonkinesigenic dystonia; this variant was also hemizygous in 2 similarly affected male relatives (PMID: 20691944); Not observed at significant frequency in large population cohorts (gnomAD); In silico analysis supports that this missense variant has a deleterious effect on protein structure/function; This variant is associated with the following publications: (PMID: 20691944)

Labcorp Genetics (formerly Invitae), Labcorp
Classification: Uncertain significance for Pyruvate dehydrogenase E1-alpha deficiency. Last evaluated: 2024-08-19. Review status: criteria provided, single submitter. Criteria: Invitae Variant Classification Sherloc (09022015). Collection method: clinical testing. Allele origin: germline. Not counted in ClinVar's aggregate classification.
Comment: This sequence change replaces isoleucine, which is neutral and non-polar, with serine, which is neutral and polar, at codon 280 of the PDHA1 protein (p.Ile280Ser). This variant is not present in population databases (gnomAD no frequency). This missense change has been observed in individuals with clinical features of pyruvate dehydrogenase deficiency (PMID: 20691944; Invitae). ClinVar contains an entry for this variant (Variation ID: 655703). Invitae Evidence Modeling of protein sequence and biophysical properties (such as structural, functional, and spatial information, amino acid conservation, physicochemical variation, residue mobility, and thermodynamic stability) indicates that this missense variant is expected to disrupt PDHA1 protein function with a positive predictive value of 80%. In summary, the available evidence is currently insufficient to determine the role of this variant in disease. Therefore, it has been classified as a Variant of Uncertain Significance.

PDHA1 Study Group, University Children’s Hospital, Paracelsus Medical University
Classification: Likely pathogenic for Pyruvate dehydrogenase E1-alpha deficiency. Last evaluated: 2024-10-15. Review status: no assertion criteria provided. Collection method: research. Allele origin: inherited. Affected: yes. Observed: 1 variant allele. Not counted in ClinVar's aggregate classification.
Comment: The NM_000284.3:c.839T>G (p.Ile280Ser) substitution is a missense variant in PDHA1 gene. Among them, 1 were confirmed inherited. The variant has been reported in 1 published case (PMIDs: 20691944). Last literature search: July 12, 2024. This variant is absent or extremely rare in population-based cohorts in the Genome Aggregation Database (gnomAD). Individuals harboring this variant presented with clinical features compatible with PDHA1-related PDHc deficiency. In summary, this variant meets criteria to be classified as likely pathogenic (LP) for PDHA1-related PDHc deficiency based on the ACMG/AMP criteria applied: PM1, PM2, PP3, PP5 (last assessment October 15, 2024).

Literature cited by the submitters: PubMed 20691944 (cited by Labcorp Genetics (formerly Invitae), Labcorp and PDHA1 Study Group, University Children’s Hospital, Paracelsus Medical University); DOI 10.1093/brain/awaf430 (cited by PDHA1 Study Group, University Children’s Hospital, Paracelsus Medical University).

NM_000284.4(PDHA1):c.839T>G (p.Ile280Ser)

Gene: PDHA1 (pyruvate dehydrogenase E1 subunit alpha 1; plus strand). Cytogenetic location: Xp22.12.
Variant type: single nucleotide variant.
Coding change: c.839T>G on transcript NM_000284.4 (MANE Select); coding-DNA position 839, T replaced by G.
Protein change: p.Ile280Ser; replaces isoleucine 280 with serine.
Molecular consequence: missense variant.
Genome position (GRCh38, 1-based): chrX:19,357,659, T>G. VCF-style: chrX-19357659-T-G. GRCh37 (hg19) VCF-style: chrX-19375777-T-G.
Other names: c.953T>G, p.Ile318Ser (NM_001173454.2); c.860T>G, p.Ile287Ser (NM_001173455.2); c.746T>G, p.Ile249Ser (NM_001173456.2); short protein forms I249S, I318S, I280S, I287S.
Identifiers: ClinVar variation 655703 (VCV000655703.11), dbSNP rs1602229682, ClinGen allele CA412395150.